The following is an entry in ClinVar:

NM_001042492.3(NF1):c.1029C>G (p.Phe343Leu)

Gene: NF1 (neurofibromin 1; plus strand). Cytogenetic location: 17q11.2.
Variant type: single nucleotide variant.
Coding change: c.1029C>G on transcript NM_001042492.3 (MANE Select); coding-DNA position 1029, C replaced by G.
Protein change: p.Phe343Leu; replaces phenylalanine 343 with leucine.
Molecular consequence: missense variant.
Genome position (GRCh38, 1-based): chr17:31,200,562, C>G. VCF-style: chr17-31200562-C-G. GRCh37 (hg19) VCF-style: chr17-29527580-C-G.
Other names: c.1029C>G, p.Phe343Leu (NM_000267.4, NM_001128147.3); short protein forms F343L.
Identifiers: ClinVar variation 2010730 (VCV002010730.7), dbSNP rs745914493, ClinGen allele CA398996384.

ClinVar aggregate classification (germline): Uncertain significance. Review status: criteria provided, multiple submitters, no conflicts (2 of 4 stars). 2 submissions from 2 submitters: Uncertain significance (2). Last evaluated 2025-12-10.

Conditions:
Neurofibromatosis, type 1 (NF1). Also called: Neurofibromatosis, type I; Peripheral type neurofibromatosis; VON RECKLINGHAUSEN DISEASE; NEUROFIBROMATOSIS, TYPE I, SOMATIC. Identifiers: Orphanet 636, MedGen C0027831, MONDO:0018975, OMIM 162200. Disease mechanism: loss of function.
Hereditary cancer-predisposing syndrome. Also called: Neoplastic Syndromes, Hereditary; Hereditary neoplastic syndrome; Tumor predisposition; Hereditary Cancer Syndrome. Identifiers: Orphanet 140162, MedGen C0027672, MeSH D009386, MONDO:0015356.
Cardiovascular phenotype. Identifiers: MedGen CN230736.

gnomAD v4.1: 1 of 1,614,116 alleles (0.000062%); highest among the groups gnomAD compares: Non-Finnish European, 0.000085%; no homozygotes.

Submissions (2):

Ambry Genetics
Classification: Uncertain significance for Cardiovascular phenotype; Hereditary cancer-predisposing syndrome. Last evaluated: 2025-12-10. Review status: criteria provided, single submitter. Criteria: Ambry Variant Classification Scheme 2023. Collection method: clinical testing. Allele origin: germline.
Comment: The p.F343L variant (also known as c.1029C>G), located in coding exon 9 of the NF1 gene, results from a C to G substitution at nucleotide position 1029. The phenylalanine at codon 343 is replaced by leucine, an amino acid with highly similar properties. This amino acid position is highly conserved in available vertebrate species. In addition, the in silico prediction for this alteration is inconclusive. Since supporting evidence is limited at this time, the clinical significance of this alteration remains unclear.

Labcorp Genetics (formerly Invitae), Labcorp
Classification: Uncertain significance for Neurofibromatosis, type 1. Last evaluated: 2024-06-28. Review status: criteria provided, single submitter. Criteria: Invitae Variant Classification Sherloc (09022015). Collection method: clinical testing. Allele origin: germline.
Comment: This sequence change replaces phenylalanine, which is neutral and non-polar, with leucine, which is neutral and non-polar, at codon 343 of the NF1 protein (p.Phe343Leu). This variant is not present in population databases (gnomAD no frequency). This variant has not been reported in the literature in individuals affected with NF1-related conditions. ClinVar contains an entry for this variant (Variation ID: 2010730). Advanced modeling of protein sequence and biophysical properties (such as structural, functional, and spatial information, amino acid conservation, physicochemical variation, residue mobility, and thermodynamic stability) performed at Invitae indicates that this missense variant is not expected to disrupt NF1 protein function with a negative predictive value of 95%. In summary, the available evidence is currently insufficient to determine the role of this variant in disease. Therefore, it has been classified as a Variant of Uncertain Significance.